The following is an entry in ClinVar:

NM_000142.5(FGFR3):c.1768A>G (p.Thr590Ala)

Gene: FGFR3 (fibroblast growth factor receptor 3; plus strand). Cytogenetic location: 4p16.3.
Variant type: single nucleotide variant.
Coding change: c.1768A>G on transcript NM_000142.5 (MANE Select); coding-DNA position 1768, A replaced by G.
Protein change: p.Thr590Ala; replaces threonine 590 with alanine.
Molecular consequence: missense variant. On other transcripts: non-coding transcript variant (1).
Genome position (GRCh38, 1-based): chr4:1,805,872, A>G. VCF-style: chr4-1805872-A-G. GRCh37 (hg19) VCF-style: chr4-1807599-A-G.
Other names: c.1774A>G, p.Thr592Ala (NM_001163213.2); c.1771A>G, p.Thr591Ala (NM_001354809.2, NM_001354810.2); c.1432A>G, p.Thr478Ala (NM_022965.4); short protein forms T478A, T590A, T591A, T592A.
Identifiers: ClinVar variation 2229430 (VCV002229430.2), dbSNP rs1000692934, ClinGen allele CA91257261.

ClinVar aggregate classification (germline): Uncertain significance (1 of 4 stars; one submission).

Conditions:
Inborn genetic diseases. Identifiers: MedGen C0950123, MeSH D030342.

Allele frequency attached by ClinVar (database versions not stated): gnomAD exomes below 0.00001.
gnomAD v4.1: 1 of 1,612,762 alleles (0.000062%); highest among the groups gnomAD compares: Admixed American, 0.0017%; no homozygotes.

Submission:

Ambry Genetics
Classification: Uncertain significance for Inborn genetic diseases. Last evaluated: 2021-03-08. Review status: criteria provided, single submitter. Criteria: Ambry Variant Classification Scheme 2023. Collection method: clinical testing. Allele origin: germline.
Comment: The c.1768A>G (p.T590A) alteration is located in exon 13 (coding exon 12) of the FGFR3 gene. This alteration results from a A to G substitution at nucleotide position 1768, causing the threonine (T) at amino acid position 590 to be replaced by an alanine (A). The in silico prediction for the p.T590A alteration is inconclusive. Based on insufficient or conflicting evidence, the clinical significance of this alteration remains unclear.